The following is an entry in ClinVar:

ClinVar aggregate classification (germline): Likely pathogenic (1 of 4 stars; one submission).

Conditions:
Glycogen storage disease type III (GSD3). Also called: FORBES DISEASE; Cori disease. Identifiers: Orphanet 366, MedGen C0017922, MONDO:0009291, OMIM 232400.

Submission:

Natera, Inc.
Classification: Likely pathogenic for Glycogen storage disease type III. Last evaluated: 2025-06-12. Review status: criteria provided, single submitter. Criteria: Natera Variant Classification Schema (03/2026). Collection method: clinical testing. Allele origin: germline.
Comment: The c.4156_4159del variant in AGL is a frameshift variant predicted to shift the reading frame beginning at codon 1386 and leads to a stop codon 28 codons downstream. This variant is expected to result in nonsense mediated decay, truncation, or a dysfunctional protein product. This variant is rare in the general population with a frequency below the threshold expected for the associated phenotype(s). Given the available evidence, this variant is classified as Likely Pathogenic.

NM_000642.3(AGL):c.4156_4159del (p.Val1386fs)

Gene: AGL (amylo-alpha-1,6-glucosidase and 4-alpha-glucanotransferase; plus strand). Cytogenetic location: 1p21.2.
Variant type: Deletion.
Coding change: c.4156_4159del on transcript NM_000642.3 (MANE Select); coding-DNA positions 4156 to 4159, 4 bases deleted (GTTG; older notation c.4156_4159delGTTG).
Protein change: p.Val1386fs; shifts the reading frame from valine 1386.
Molecular consequence: frameshift variant.
Genome position (GRCh38, 1-based): chr1:99,913,733-99,913,736, GTTG deleted; deleting any 4 consecutive bases within chr1:99,913,731-99,913,736 gives the same sequence; the c. name uses the placement nearest the transcript's 3' end. VCF-style (leftmost placement, unchanged base first): chr1-99913730-ATGGT-A. GRCh37 (hg19) VCF-style: chr1-100379286-ATGGT-A.
Other names: c.4156_4159del, p.Val1386fs (NM_000028.3, NM_000643.3, NM_000644.3 and 1 more transcripts); c.4108_4111del, p.Val1370fs (NM_000646.3); c.4135_4138del, p.Val1379fs (NM_001425326.1); c.3955_3958del, p.Val1319fs (NM_001425327.1); c.3952_3955del, p.Val1318fs (NM_001425328.1); c.3817_3820del, p.Val1273fs (NM_001425329.1); c.3778_3781del, p.Val1260fs (NM_001425332.1); short protein forms V1260fs, V1273fs, V1318fs, V1319fs, V1370fs, V1379fs, V1386fs.
Identifiers: ClinVar variation 4814454 (VCV004814454.1).
Genomic context (GRCh38, chr1:99,913,730, plus strand): 5'-AGTTATGGAGCTTCAAGTCCTTGGTGTGACTATCAGCTCAGGCCTAATTTTACCATAGCA[ATGGT>A]TGTGGTAGGTGATTCGTTTGTAAAAACATTTCAAAAAATGATGTGCTAGAGTTTGCTTAG-3'